The following is an entry in ClinVar:

ClinVar aggregate classification (germline): Uncertain significance (1 of 4 stars; one submission).

gnomAD v4.1: 2 of 1,614,018 alleles (0.00012%); highest among the groups gnomAD compares: Non-Finnish European, 0.00017%; no homozygotes.

Submission:

GeneDx
Classification: Uncertain significance. Last evaluated: 2025-01-13. Review status: criteria provided, single submitter. Criteria: GeneDx Variant Classification Process June 2021. Collection method: clinical testing. Allele origin: germline.
Comment: Not observed at significant frequency in large population cohorts (gnomAD); In silico analysis indicates that this missense variant does not alter protein structure/function; Has not been previously published as pathogenic or benign to our knowledge

NM_024757.5(EHMT1):c.1699A>G (p.Asn567Asp)

Gene: EHMT1 (euchromatic histone lysine methyltransferase 1; plus strand). Cytogenetic location: 9q34.3.
Variant type: single nucleotide variant.
Coding change: c.1699A>G on transcript NM_024757.5 (MANE Select); coding-DNA position 1699, A replaced by G.
Protein change: p.Asn567Asp; replaces asparagine 567 with aspartic acid.
Molecular consequence: missense variant.
Genome position (GRCh38, 1-based): chr9:137,775,160, A>G. VCF-style: chr9-137775160-A-G. GRCh37 (hg19) VCF-style: chr9-140669612-A-G.
Other names: c.1699A>G, p.Asn567Asp (NM_001145527.2); c.1606A>G, p.Asn536Asp (NM_001354259.2); c.1678A>G, p.Asn560Asp (NM_001354263.2); short protein forms N536D, N560D, N567D.
Identifiers: ClinVar variation 3375578 (VCV003375578.2).